The following is an entry in ClinVar:

ClinVar aggregate classification (germline): Uncertain significance. Review status: criteria provided, multiple submitters, no conflicts (2 of 4 stars). 2 submissions from 2 submitters: Uncertain significance (2). Last evaluated 2025-02-20.

Conditions:
Inborn genetic diseases. Identifiers: MedGen C0950123, MeSH D030342.

Allele frequency attached by ClinVar (database versions not stated): gnomAD exomes 0.00005.
gnomAD v4.1: 79 of 1,614,034 alleles (0.0049%); highest among the groups gnomAD compares: Middle Eastern, 0.033%; no homozygotes.

Submissions (2):

Labcorp Genetics (formerly Invitae), Labcorp
Classification: Uncertain significance. Last evaluated: 2025-02-20. Review status: criteria provided, single submitter. Criteria: Invitae Variant Classification Sherloc (09022015). Collection method: clinical testing. Allele origin: germline.
Comment: This sequence change replaces arginine, which is basic and polar, with tryptophan, which is neutral and slightly polar, at codon 602 of the EPAS1 protein (p.Arg602Trp). This variant is present in population databases (rs201987694, gnomAD 0.003%). This variant has not been reported in the literature in individuals affected with EPAS1-related conditions. ClinVar contains an entry for this variant (Variation ID: 1780453). An algorithm developed to predict the effect of missense changes on protein structure and function outputs the following: PolyPhen-2: "Benign". The tryptophan amino acid residue is found in multiple mammalian species, which suggests that this missense change does not adversely affect protein function. In summary, the available evidence is currently insufficient to determine the role of this variant in disease. Therefore, it has been classified as a Variant of Uncertain Significance.

Ambry Genetics
Classification: Uncertain significance for Inborn genetic diseases. Last evaluated: 2022-10-11. Review status: criteria provided, single submitter. Criteria: Ambry Variant Classification Scheme 2023. Collection method: clinical testing. Allele origin: germline.
Comment: The p.R602W variant (also known as c.1804C>T), located in coding exon 12 of the EPAS1 gene, results from a C to T substitution at nucleotide position 1804. The arginine at codon 602 is replaced by tryptophan, an amino acid with dissimilar properties. This amino acid position is conserved. In addition, this alteration is predicted to be tolerated by in silico analysis. Since supporting evidence is limited at this time, the clinical significance of this alteration remains unclear.

NM_001430.5(EPAS1):c.1804C>T (p.Arg602Trp)

Gene: EPAS1 (endothelial PAS domain protein 1; plus strand). Cytogenetic location: 2p21.
Variant type: single nucleotide variant.
Coding change: c.1804C>T on transcript NM_001430.5 (MANE Select); coding-DNA position 1804, C replaced by T.
Protein change: p.Arg602Trp; replaces arginine 602 with tryptophan.
Molecular consequence: missense variant.
Genome position (GRCh38, 1-based): chr2:46,380,476, C>T. VCF-style: chr2-46380476-C-T. GRCh37 (hg19) VCF-style: chr2-46607615-C-T.
Other names: short protein forms R602W.
Identifiers: ClinVar variation 1780453 (VCV001780453.3), dbSNP rs201987694, ClinGen allele CA46566779.
Genomic context (GRCh38, chr2:46,380,476, plus strand): 5'-CCCTTCCTCCTGGACAAGTTTCAGCAGCAGCTGGAGAGCAAGAAGACAGAGCCCGAGCAC[C>T]GGCCCATGTCCTCCATCTTCTTTGATGCCGGAAGCAAAGCATCCCTGCCACCGTGCTGTG-3'
Protein context (NP_001421.2, residues 592-612): LESKKTEPEH[Arg602Trp]PMSSIFFDAG